The following is an entry in ClinVar:

NM_001384732.1(CPLANE1):c.9631G>A (p.Gly3211Ser)

Gene: CPLANE1 (ciliogenesis and planar polarity effector complex subunit 1; minus strand). Cytogenetic location: 5p13.2.
Variant type: single nucleotide variant.
Coding change: c.9631G>A on transcript NM_001384732.1 (MANE Select); coding-DNA position 9631, G replaced by A.
Protein change: p.Gly3211Ser; replaces glycine 3211 with serine.
Molecular consequence: missense variant.
Genome position (GRCh38, 1-based): chr5:37,107,727, C>T on the plus strand (G>A on the coding strand, the complement: CPLANE1 is on the minus strand). VCF-style: chr5-37107727-C-T. GRCh37 (hg19) VCF-style: chr5-37107829-C-T.
Other names: c.9469G>A, p.Gly3157Ser (NM_023073.4); short protein forms G3157S, G3211S.
Identifiers: ClinVar variation 2048640 (VCV002048640.1), dbSNP rs750657907, ClinGen allele CA3237407.

ClinVar aggregate classification (germline): Uncertain significance (1 of 4 stars; one submission).

Allele frequency attached by ClinVar (database versions not stated): gnomAD exomes 0.00001; gnomAD 0.00002; TOPMed 0.00002; ExAC 0.00003.
gnomAD v4.1: 19 of 1,611,800 alleles (0.0012%); highest among the groups gnomAD compares: Admixed American, 0.0067%; no homozygotes.

Submission:

Labcorp Genetics (formerly Invitae), Labcorp
Classification: Uncertain significance. Last evaluated: 2022-04-24. Review status: criteria provided, single submitter. Criteria: Invitae Variant Classification Sherloc (09022015). Collection method: clinical testing. Allele origin: germline.
Comment: This sequence change replaces glycine, which is neutral and non-polar, with serine, which is neutral and polar, at codon 3157 of the CPLANE1 protein (p.Gly3157Ser). The frequency data for this variant in the population databases is considered unreliable, as metrics indicate poor data quality at this position in the gnomAD database. This variant has not been reported in the literature in individuals affected with CPLANE1-related conditions. Advanced modeling of protein sequence and biophysical properties (such as structural, functional, and spatial information, amino acid conservation, physicochemical variation, residue mobility, and thermodynamic stability) performed at Invitae indicates that this missense variant is not expected to disrupt CPLANE1 protein function. In summary, the available evidence is currently insufficient to determine the role of this variant in disease. Therefore, it has been classified as a Variant of Uncertain Significance.